The following is an entry in ClinVar:

ClinVar aggregate classification (germline): Uncertain significance. Review status: criteria provided, multiple submitters, no conflicts (2 of 4 stars). 5 submissions from 5 submitters: Uncertain significance (4). 1 of the submissions does not count toward it. Last evaluated 2023-04-17.

Conditions:
Alstrom syndrome (ALMS). Identifiers: Orphanet 64, MedGen C0268425, MONDO:0008763, OMIM 203800.
Cardiovascular phenotype. Identifiers: MedGen CN230736.

Allele frequency attached by ClinVar (database versions not stated): gnomAD 0.00003; TOPMed 0.00003.
gnomAD v4.1: 30 of 1,613,338 alleles (0.0019%); highest among the groups gnomAD compares: Non-Finnish European, 0.0025%; no homozygotes.

Submissions (5):

Ambry Genetics
Classification: Uncertain significance for Cardiovascular phenotype. Last evaluated: 2023-04-17. Review status: criteria provided, single submitter. Criteria: Ambry Variant Classification Scheme 2023. Collection method: clinical testing. Allele origin: germline.
Comment: The p.N2314D variant (also known as c.6940A>G), located in coding exon 8 of the ALMS1 gene, results from an A to G substitution at nucleotide position 6940. The asparagine at codon 2314 is replaced by aspartic acid, an amino acid with highly similar properties. This amino acid position is not well conserved in available vertebrate species. In addition, this alteration is predicted to be tolerated by in silico analysis. Since supporting evidence is limited at this time, the clinical significance of this alteration remains unclear.

GeneDx
Classification: Uncertain significance. Last evaluated: 2022-12-09. Review status: criteria provided, single submitter. Criteria: GeneDx Variant Classification Process June 2021. Collection method: clinical testing. Allele origin: germline. Affected: yes.
Comment: Not observed at significant frequency in large population cohorts (gnomAD); In silico analysis supports that this missense variant does not alter protein structure/function; Has not been previously published as pathogenic or benign to our knowledge

Labcorp Genetics (formerly Invitae), Labcorp
Classification: Uncertain significance for Alstrom syndrome. Last evaluated: 2022-07-12. Review status: criteria provided, single submitter. Criteria: Invitae Variant Classification Sherloc (09022015). Collection method: clinical testing. Allele origin: germline.
Comment: This sequence change replaces asparagine, which is neutral and polar, with aspartic acid, which is acidic and polar, at codon 2314 of the ALMS1 protein (p.Asn2314Asp). This variant is present in population databases (rs766346478, gnomAD 0.004%). This variant has not been reported in the literature in individuals affected with ALMS1-related conditions. ClinVar contains an entry for this variant (Variation ID: 655438). In summary, the available evidence is currently insufficient to determine the role of this variant in disease. Therefore, it has been classified as a Variant of Uncertain Significance.

Fulgent Genetics
Classification: Uncertain significance for Alstrom syndrome. Last evaluated: 2022-04-01. Review status: criteria provided, single submitter. Criteria: ACMG Guidelines, 2015. Collection method: clinical testing. Allele origin: unknown.

Natera, Inc.
Classification: Uncertain significance for Alstrom syndrome. Last evaluated: 2020-09-16. Review status: no assertion criteria provided. Collection method: clinical testing. Allele origin: germline. Not counted in ClinVar's aggregate classification.

NM_001378454.1(ALMS1):c.6937A>G (p.Asn2313Asp)

Gene: ALMS1 (ALMS1 centrosome and basal body associated protein; plus strand). Cytogenetic location: 2p13.1.
Variant type: single nucleotide variant.
Coding change: c.6937A>G on transcript NM_001378454.1 (MANE Select); coding-DNA position 6937, A replaced by G.
Protein change: p.Asn2313Asp; replaces asparagine 2313 with aspartic acid.
Molecular consequence: missense variant.
Genome position (GRCh38, 1-based): chr2:73,453,464, A>G. VCF-style: chr2-73453464-A-G. GRCh37 (hg19) VCF-style: chr2-73680591-A-G.
Other names: c.6940A>G, p.Asn2314Asp (NM_015120.4); short protein forms N2314D, N2313D.
Identifiers: ClinVar variation 655438 (VCV000655438.7), dbSNP rs766346478, ClinGen allele CA1714153.